The following is an entry in ClinVar:

NM_006158.5(NEFL):c.533A>G (p.Tyr178Cys)

Gene: NEFL (neurofilament light chain; minus strand). Cytogenetic location: 8p21.2.
Variant type: single nucleotide variant.
Coding change: c.533A>G on transcript NM_006158.5 (MANE Select); coding-DNA position 533, A replaced by G.
Protein change: p.Tyr178Cys; replaces tyrosine 178 with cysteine.
Molecular consequence: missense variant.
Genome position (GRCh38, 1-based): chr8:24,955,983, T>C on the plus strand (A>G on the coding strand, the complement: NEFL is on the minus strand). VCF-style: chr8-24955983-T-C. GRCh37 (hg19) VCF-style: chr8-24813497-T-C.
Other names: short protein forms Y178C.
Identifiers: ClinVar variation 2904396 (VCV002904396.3), dbSNP rs2486887030, ClinGen allele CA370622189.

ClinVar aggregate classification (germline): Uncertain significance (1 of 4 stars; one submission).

Conditions:
Charcot-Marie-Tooth disease type 2E (CMT2E). Also called: CHARCOT-MARIE-TOOTH NEUROPATHY, TYPE 2E; CHARCOT-MARIE-TOOTH DISEASE, AXONAL, TYPE 2E. Identifiers: Orphanet 99939, MedGen C1843225, MONDO:0011894, OMIM 607684.

Allele frequency attached by ClinVar (database versions not stated): gnomAD exomes below 0.00001.
gnomAD v4.1: 2 of 1,603,378 alleles (0.00012%); highest among the groups gnomAD compares: Non-Finnish European, 0.00017%; no homozygotes.

Submission:

Labcorp Genetics (formerly Invitae), Labcorp
Classification: Uncertain significance for Charcot-Marie-Tooth disease type 2E. Last evaluated: 2023-05-16. Review status: criteria provided, single submitter. Criteria: Invitae Variant Classification Sherloc (09022015). Collection method: clinical testing. Allele origin: germline.
Comment: This sequence change replaces tyrosine, which is neutral and polar, with cysteine, which is neutral and slightly polar, at codon 178 of the NEFL protein (p.Tyr178Cys). This variant is not present in population databases (gnomAD no frequency). In summary, the available evidence is currently insufficient to determine the role of this variant in disease. Therefore, it has been classified as a Variant of Uncertain Significance. Advanced modeling of protein sequence and biophysical properties (such as structural, functional, and spatial information, amino acid conservation, physicochemical variation, residue mobility, and thermodynamic stability) performed at Invitae indicates that this missense variant is not expected to disrupt NEFL protein function. This variant has not been reported in the literature in individuals affected with NEFL-related conditions.